The following is an entry in ClinVar:

ClinVar aggregate classification (germline): Benign/Likely benign. Review status: criteria provided, multiple submitters, no conflicts (2 of 4 stars). 5 submissions from 5 submitters: Benign (1); Likely benign (3). 1 of the submissions does not count toward it. Last evaluated 2026-02-01.

Conditions:
CEP120-related disorder. Also called: CEP120-related condition; CEP120-Related Disorders.
Short-rib thoracic dysplasia 13 with or without polydactyly (SRTD13). Identifiers: Orphanet 474, MedGen C4225378, MONDO:0014577, OMIM 616300.

Allele frequency attached by ClinVar (database versions not stated): gnomAD exomes 0.00024 and 0.00054; ExAC 0.00072; 1000 Genomes Project 30x 0.00125; 1000 Genomes Project 0.00140; gnomAD 0.00266 and 0.00294; ESP Exome Variant Server 0.00269; TOPMed 0.00279.
gnomAD v4.1: 765 of 1,606,334 alleles (0.048%); highest among the groups gnomAD compares: African/African-American, 0.9%; 4 homozygotes.

Submissions (5):

Labcorp Genetics (formerly Invitae), Labcorp
Classification: Benign for Short-rib thoracic dysplasia 13 with or without polydactyly. Last evaluated: 2026-02-01. Review status: criteria provided, single submitter. Criteria: Invitae Variant Classification Sherloc (09022015). Collection method: clinical testing. Allele origin: germline.

Blueprint Genetics
Classification: Likely benign. Last evaluated: 2024-10-22. Review status: criteria provided, single submitter. Criteria: ACMG Guidelines, 2015. Collection method: clinical testing. Allele origin: germline.

GeneDx
Classification: Likely benign. Last evaluated: 2020-08-24. Review status: criteria provided, single submitter. Criteria: GeneDx Variant Classification Process June 2021. Collection method: clinical testing. Allele origin: germline. Affected: yes.

Breakthrough Genomics
Classification: Likely benign. Review status: criteria provided, single submitter. Criteria: ACMG Guidelines, 2015. Collection method: not provided. Allele origin: germline. Inheritance: Autosomal recessive inheritance. Affected: yes.

PreventionGenetics, part of Exact Sciences
Classification: Benign for CEP120-related condition. Last evaluated: 2019-10-16. Review status: no assertion criteria provided. Collection method: clinical testing. Allele origin: germline. Not counted in ClinVar's aggregate classification.
Comment: This variant is classified as benign based on ACMG/AMP sequence variant interpretation guidelines (Richards et al. 2015 PMID: 25741868, with internal and published modifications).

NM_001375405.1(CEP120):c.2145T>C (p.Thr715=)

Gene: CEP120 (centrosomal protein 120; minus strand). Cytogenetic location: 5q23.2.
Variant type: single nucleotide variant.
Coding change: c.2145T>C on transcript NM_001375405.1 (MANE Select); coding-DNA position 2145, T replaced by C.
Protein change: p.Thr715=; no amino-acid change (threonine 715 retained).
Molecular consequence: synonymous variant. On other transcripts: non-coding transcript variant (1).
Genome position (GRCh38, 1-based): chr5:123,378,387, A>G on the plus strand (T>C on the coding strand, the complement: CEP120 is on the minus strand). VCF-style: chr5-123378387-A-G. GRCh37 (hg19) VCF-style: chr5-122714081-A-G.
Other names: c.2067T>C, p.Thr689= (NM_001166226.2); c.2010T>C, p.Thr670= (NM_001375406.1); c.2145T>C, p.Thr715= (NM_001375407.1, NM_153223.4); c.1572T>C, p.Thr524= (NM_001375408.1, NM_001375409.1).
Identifiers: ClinVar variation 542765 (VCV000542765.17), dbSNP rs113911260, ClinGen allele CA3386733.